The following is an entry in ClinVar:

NM_000116.5(TAFAZZIN):c.680dup (p.Tyr227Ter)

Gene: TAFAZZIN (tafazzin, phospholipid-lysophospholipid transacylase; plus strand). Cytogenetic location: Xq28.
Variant type: Duplication.
Coding change: c.680dup on transcript NM_000116.5 (MANE Select); coding-DNA position 680, one base duplicated (A; older notation c.680dupA).
Protein change: p.Tyr227Ter; replaces tyrosine 227 with a stop codon.
Molecular consequence: nonsense. On other transcripts: non-coding transcript variant (1).
Genome position (GRCh38, 1-based): chrX:154,420,245, A duplicated. VCF-style (leftmost placement, unchanged base first): chrX-154420244-T-TA. GRCh37 (hg19) VCF-style: chrX-153648583-T-TA.
Other names: p.Y227_F228delinsX; c.548dup, p.Tyr183Ter (NM_181313.4); c.692dup, p.Tyr231Ter (NM_001303465.2); c.590dup, p.Tyr197Ter (NM_181311.4); c.638dup, p.Tyr213Ter (NM_181312.4); short protein forms Y227*, Y231*, Y183*, Y197*, Y213*.
Identifiers: ClinVar variation 446166 (VCV000446166.2), dbSNP rs1557194203, ClinGen allele CA658653878.

ClinVar aggregate classification (germline): Uncertain significance (1 of 4 stars; one submission).

Conditions:
Left ventricular noncompaction. Identifiers: Orphanet 54260, MedGen C1960469, MONDO:0018901, HP:0030682.

Submission:

Institute Of Molecular Biology And Genetics, Federal Almazov National Medical Research Centre
Classification: Uncertain significance for Left ventricular noncompaction. Review status: criteria provided, single submitter. Criteria: ACMG Guidelines, 2015. Collection method: research. Allele origin: germline. Inheritance: X-linked inheritance. Affected: yes.
Comment: Transient hyponeutrophilia was also observed. Based on the clinical phenotype the probability of the variant to be causative is very high. However, according ton ACMG this variant currently is classified as VUS.